The following is an entry in ClinVar:

ClinVar aggregate classification (germline): Uncertain significance. Review status: criteria provided, multiple submitters, no conflicts (2 of 4 stars). 2 submissions from 2 submitters: Uncertain significance (2). Last evaluated 2025-08-13.

Conditions:
Inborn genetic diseases. Identifiers: MedGen C0950123, MeSH D030342.
Epidermolysis bullosa simplex 5B, with muscular dystrophy (EBS5B). Also called: Epidermolysis bullosa simplex with muscular dystrophy; EPIDERMOLYSIS BULLOSA SIMPLEX AND LIMB-GIRDLE MUSCULAR DYSTROPHY. Identifiers: Orphanet 257, MedGen C2931072, MONDO:0009181, OMIM 226670.
Epidermolysis bullosa simplex, Ogna type (EBS5A). Also called: Pidermolysis bullosa simplex 5A, Ogna type; EPIDERMOLYSIS BULLOSA SIMPLEX 5A, OGNA TYPE. Identifiers: Orphanet 79401, MedGen C0432317, MONDO:0007555, OMIM 131950.
Epidermolysis bullosa simplex 5C, with pyloric atresia (EBS5C). Also called: PLEC-Related Epidermolysis Bullosa with Pyloric Atresia; Epidermolysis bullosa simplex with pyloric atresia; PLEC1-Related Epidermolysis Bullosa with Pyloric Atresia. Identifiers: Orphanet 158684, MedGen C2677349, MONDO:0012807, OMIM 612138.
Autosomal recessive limb-girdle muscular dystrophy type 2Q (LGMDR17). Also called: MUSCULAR DYSTROPHY, LIMB-GIRDLE, AUTOSOMAL RECESSIVE 17. Identifiers: Orphanet 254361, MedGen C3150989, MONDO:0013390, OMIM 613723.
Epidermolysis bullosa simplex with nail dystrophy (EBS5D). Identifiers: MedGen C4225309, MONDO:0014661, OMIM 616487.

Allele frequency attached by ClinVar (database versions not stated): gnomAD exomes 0.00001 and 0.00003; gnomAD 0.00004; TOPMed 0.00006.
gnomAD v4.1: 49 of 1,548,470 alleles (0.0032%); highest among the groups gnomAD compares: Admixed American, 0.0076%; no homozygotes.

Submissions (2):

Labcorp Genetics (formerly Invitae), Labcorp
Classification: Uncertain significance for Autosomal recessive limb-girdle muscular dystrophy type 2Q; Epidermolysis bullosa simplex, Ogna type; Epidermolysis bullosa simplex with nail dystrophy; Epidermolysis bullosa simplex 5C, with pyloric atresia; Epidermolysis bullosa simplex 5B, with muscular dystrophy. Last evaluated: 2025-08-13. Review status: criteria provided, single submitter. Criteria: Invitae Variant Classification Sherloc (09022015). Collection method: clinical testing. Allele origin: germline.
Comment: This sequence change replaces arginine, which is basic and polar, with glutamine, which is neutral and polar, at codon 1639 of the PLEC protein (p.Arg1639Gln). The frequency data for this variant in the population databases is considered unreliable, as metrics indicate poor data quality at this position in the gnomAD database. This variant has not been reported in the literature in individuals affected with PLEC-related conditions. ClinVar contains an entry for this variant (Variation ID: 1004398). Invitae Evidence Modeling of protein sequence and biophysical properties (such as structural, functional, and spatial information, amino acid conservation, physicochemical variation, residue mobility, and thermodynamic stability) indicates that this missense variant is not expected to disrupt PLEC protein function with a negative predictive value of 80%. In summary, the available evidence is currently insufficient to determine the role of this variant in disease. Therefore, it has been classified as a Variant of Uncertain Significance.

Ambry Genetics
Classification: Uncertain significance for Inborn genetic diseases. Last evaluated: 2024-08-11. Review status: criteria provided, single submitter. Criteria: Ambry Variant Classification Scheme 2023. Collection method: clinical testing. Allele origin: germline.

NM_201384.3(PLEC):c.4835G>A (p.Arg1612Gln)

Gene: PLEC (plectin; minus strand). Cytogenetic location: 8q24.3.
Variant type: single nucleotide variant.
Coding change: c.4835G>A on transcript NM_201384.3 (MANE Select); coding-DNA position 4835, G replaced by A.
Protein change: p.Arg1612Gln; replaces arginine 1612 with glutamine.
Molecular consequence: missense variant.
Genome position (GRCh38, 1-based): chr8:143,925,094, C>T on the plus strand (G>A on the coding strand, the complement: PLEC is on the minus strand). VCF-style: chr8-143925094-C-T. GRCh37 (hg19) VCF-style: chr8-144999262-C-T.
Other names: c.4916G>A (NM_000445.3); c.4916G>A, p.Arg1639Gln (NM_000445.5); c.4793G>A, p.Arg1598Gln (NM_201378.4); c.4769G>A, p.Arg1590Gln (NM_201379.3); c.5246G>A, p.Arg1749Gln (NM_201380.4); c.4739G>A, p.Arg1580Gln (NM_201381.3); c.4835G>A, p.Arg1612Gln (NM_201382.4); c.4847G>A, p.Arg1616Gln (NM_201383.3); short protein forms R1580Q, R1590Q, R1598Q, R1612Q, R1616Q, R1639Q, R1749Q.
Identifiers: ClinVar variation 1004398 (VCV001004398.6), dbSNP rs1041351510, ClinGen allele CA187616504.